The following is an entry in ClinVar:

NM_000553.6(WRN):c.1853T>G (p.Phe618Cys)

Gene: WRN (WRN RecQ like helicase; plus strand). Cytogenetic location: 8p12.
Variant type: single nucleotide variant.
Coding change: c.1853T>G on transcript NM_000553.6 (MANE Select); coding-DNA position 1853, T replaced by G.
Protein change: p.Phe618Cys; replaces phenylalanine 618 with cysteine.
Molecular consequence: missense variant.
Genome position (GRCh38, 1-based): chr8:31,091,853, T>G. VCF-style: chr8-31091853-T-G. GRCh37 (hg19) VCF-style: chr8-30949369-T-G.
Other names: short protein forms F618C.
Identifiers: ClinVar variation 1007124 (VCV001007124.3), dbSNP rs755746575, ClinGen allele CA4704516.

ClinVar aggregate classification (germline): Uncertain significance (1 of 4 stars; one submission).

Conditions:
Werner syndrome (WRN). Identifiers: Orphanet 902, MedGen C0043119, MONDO:0010196, OMIM 277700.

Allele frequency attached by ClinVar (database versions not stated): gnomAD exomes below 0.00001; ExAC 0.00001.
gnomAD v4.1: 3 of 1,613,290 alleles (0.00019%); highest among the groups gnomAD compares: South Asian, 0.0011%; no homozygotes.

Submission:

Labcorp Genetics (formerly Invitae), Labcorp
Classification: Uncertain significance for Werner syndrome. Last evaluated: 2020-10-03. Review status: criteria provided, single submitter. Criteria: Invitae Variant Classification Sherloc (09022015). Collection method: clinical testing. Allele origin: germline.
Comment: This sequence change replaces phenylalanine with cysteine at codon 618 of the WRN protein (p.Phe618Cys). The phenylalanine residue is moderately conserved and there is a large physicochemical difference between phenylalanine and cysteine. This variant is present in population databases (rs755746575, ExAC 0.006%). This variant has not been reported in the literature in individuals with WRN-related conditions. Algorithms developed to predict the effect of missense changes on protein structure and function are either unavailable or do not agree on the potential impact of this missense change (SIFT: "Not Available"; PolyPhen-2: "Probably Damaging"; Align-GVGD: "Not Available"). In summary, the available evidence is currently insufficient to determine the role of this variant in disease. Therefore, it has been classified as a Variant of Uncertain Significance.